The following is an entry in ClinVar:

NM_021072.4(HCN1):c.2037C>A (p.His679Gln)

Gene: HCN1 (hyperpolarization activated cyclic nucleotide gated potassium channel 1; minus strand). Cytogenetic location: 5p12.
Variant type: single nucleotide variant.
Coding change: c.2037C>A on transcript NM_021072.4 (MANE Select); coding-DNA position 2037, C replaced by A.
Protein change: p.His679Gln; replaces histidine 679 with glutamine.
Molecular consequence: missense variant.
Genome position (GRCh38, 1-based): chr5:45,262,557, G>T on the plus strand (C>A on the coding strand, the complement: HCN1 is on the minus strand). VCF-style: chr5-45262557-G-T. GRCh37 (hg19) VCF-style: chr5-45262659-G-T.
Other names: short protein forms H679Q.
Identifiers: ClinVar variation 3713372 (VCV003713372.2).

ClinVar aggregate classification (germline): Uncertain significance (1 of 4 stars; one submission).

Conditions:
Early-infantile DEE. Also called: Ohtahara syndrome; Early infantile epileptic encephalopathy with suppression bursts; Early infantile epileptic encephalopathy. Identifiers: Orphanet 1934, MedGen C0393706, MONDO:0800491.

gnomAD v4.1: 6 of 1,613,904 alleles (0.00037%); highest among the groups gnomAD compares: African/African-American, 0.008%; no homozygotes.

Submission:

Labcorp Genetics (formerly Invitae), Labcorp
Classification: Uncertain significance for Early-infantile DEE. Last evaluated: 2024-11-24. Review status: criteria provided, single submitter. Criteria: Invitae Variant Classification Sherloc (09022015). Collection method: clinical testing. Allele origin: germline.
Comment: This sequence change replaces histidine, which is basic and polar, with glutamine, which is neutral and polar, at codon 679 of the HCN1 protein (p.His679Gln). This variant is present in population databases (no rsID available, gnomAD 0.01%). This variant has not been reported in the literature in individuals affected with HCN1-related conditions. Invitae Evidence Modeling of protein sequence and biophysical properties (such as structural, functional, and spatial information, amino acid conservation, physicochemical variation, residue mobility, and thermodynamic stability) indicates that this missense variant is not expected to disrupt HCN1 protein function with a negative predictive value of 95%. In summary, the available evidence is currently insufficient to determine the role of this variant in disease. Therefore, it has been classified as a Variant of Uncertain Significance.